The following is an entry in ClinVar:

NM_198525.3(KIF7):c.2304G>C (p.Glu768Asp)

Gene: KIF7 (kinesin family member 7; minus strand). Cytogenetic location: 15q26.1.
Variant type: single nucleotide variant.
Coding change: c.2304G>C on transcript NM_198525.3 (MANE Select); coding-DNA position 2304, G replaced by C.
Protein change: p.Glu768Asp; replaces glutamic acid 768 with aspartic acid.
Molecular consequence: missense variant.
Genome position (GRCh38, 1-based): chr15:89,642,293, C>G on the plus strand (G>C on the coding strand, the complement: KIF7 is on the minus strand). VCF-style: chr15-89642293-C-G. GRCh37 (hg19) VCF-style: chr15-90185524-C-G.
Other names: short protein forms E768D.
Identifiers: ClinVar variation 2908555 (VCV002908555.3), dbSNP rs749953290, ClinGen allele CA7728242.

ClinVar aggregate classification (germline): Uncertain significance (1 of 4 stars; one submission).

Conditions:
Acrocallosal syndrome (ACLS). Also called: HALLUX DUPLICATION, POSTAXIAL POLYDACTYLY, AND ABSENCE OF CORPUS CALLOSUM; Schinzel syndrome 1; Absence of corpus callosum with unusual facial appearance, mental deficiency, duplication of the halluces and polydactyly. Identifiers: Orphanet 36, MedGen C0796147, MONDO:0008708, OMIM 200990.

Allele frequency attached by ClinVar (database versions not stated): ExAC 0.00001; gnomAD exomes 0.00001.
gnomAD v4.1: 10 of 1,610,118 alleles (0.00062%); highest among the groups gnomAD compares: Non-Finnish European, 0.00076%; no homozygotes.

Submission:

Labcorp Genetics (formerly Invitae), Labcorp
Classification: Uncertain significance for Acrocallosal syndrome. Last evaluated: 2024-02-24. Review status: criteria provided, single submitter. Criteria: Invitae Variant Classification Sherloc (09022015). Collection method: clinical testing. Allele origin: germline.
Comment: This sequence change replaces glutamic acid, which is acidic and polar, with aspartic acid, which is acidic and polar, at codon 768 of the KIF7 protein (p.Glu768Asp). This variant is present in population databases (rs749953290, gnomAD 0.0009%). This variant has not been reported in the literature in individuals affected with KIF7-related conditions. Advanced modeling of protein sequence and biophysical properties (such as structural, functional, and spatial information, amino acid conservation, physicochemical variation, residue mobility, and thermodynamic stability) performed at Invitae indicates that this missense variant is not expected to disrupt KIF7 protein function with a negative predictive value of 80%. In summary, the available evidence is currently insufficient to determine the role of this variant in disease. Therefore, it has been classified as a Variant of Uncertain Significance.